The following is an entry in ClinVar:

NM_001042492.3(NF1):c.5454del (p.Ala1819fs)

Gene: NF1 (neurofibromin 1; plus strand). Cytogenetic location: 17q11.2.
Variant type: Deletion.
Coding change: c.5454del on transcript NM_001042492.3 (MANE Select); coding-DNA position 5454, one base deleted (A; older notation c.5454delA).
Protein change: p.Ala1819fs; shifts the reading frame from alanine 1819.
Molecular consequence: frameshift variant.
Genome position (GRCh38, 1-based): chr17:31,327,684, A deleted; the last of 2 consecutive A bases (chr17:31,327,683-31,327,684); deleting either gives the same sequence. VCF-style (leftmost placement, unchanged base first): chr17-31327682-GA-G. GRCh37 (hg19) VCF-style: chr17-29654700-GA-G.
Other names: c.5391delA, p.Ala1798Profs (NM_000267.4); c.5391delA (NM_000267.3); short protein forms A1819fs, A1798fs.
Identifiers: ClinVar variation 3879152 (VCV003879152.1).
Genomic context (GRCh38, chr17:31,327,682, plus strand): 5'-CAGTTCACCTTAACCATTGCAAACCAGGGCACGCCGCTCACCTTCATGCACCAGGAGTGT[GA>G]AGCCATTGTCCAGTCTATCATTCATATCCGGACCCGCTGGGAACTGTCACAGCCCGACTC-3'

ClinVar aggregate classification (germline): Pathogenic (1 of 4 stars; one submission).

Conditions:
Cardiovascular phenotype. Identifiers: MedGen CN230736.
Hereditary cancer-predisposing syndrome. Also called: Tumor predisposition; Neoplastic Syndromes, Hereditary; Hereditary Cancer Syndrome; Hereditary neoplastic syndrome. Identifiers: Orphanet 140162, MedGen C0027672, MeSH D009386, MONDO:0015356.

Submission:

Ambry Genetics
Classification: Pathogenic for Cardiovascular phenotype; Hereditary cancer-predisposing syndrome. Last evaluated: 2025-03-13. Review status: criteria provided, single submitter. Criteria: Ambry Variant Classification Scheme 2023. Collection method: clinical testing. Allele origin: germline.
Comment: The c.5391delA pathogenic mutation, located in coding exon 37 of the NF1 gene, results from a deletion of one nucleotide at nucleotide position 5391, causing a translational frameshift with a predicted alternate stop codon (p.A1798Pfs*44). This variant was reported in individual(s) with features consistent with neurofibromatosis type 1 (Ambry internal data). This variant is considered to be rare based on population cohorts in the Genome Aggregation Database (gnomAD). This alteration is expected to result in loss of function by premature protein truncation or nonsense-mediated mRNA decay. As such, this alteration is interpreted as a disease-causing mutation.